The following is an entry in ClinVar:

NM_000081.4(LYST):c.2332G>A (p.Val778Ile)

Gene: LYST (lysosomal trafficking regulator; minus strand). Cytogenetic location: 1q42.3.
Variant type: single nucleotide variant.
Coding change: c.2332G>A on transcript NM_000081.4 (MANE Select); coding-DNA position 2332, G replaced by A.
Protein change: p.Val778Ile; replaces valine 778 with isoleucine.
Molecular consequence: missense variant.
Genome position (GRCh38, 1-based): chr1:235,808,486, C>T on the plus strand (G>A on the coding strand, the complement: LYST is on the minus strand). VCF-style: chr1-235808486-C-T. GRCh37 (hg19) VCF-style: chr1-235971786-C-T.
Other names: c.2332G>A, p.Val778Ile (NM_001301365.1); short protein forms V778I.
Identifiers: ClinVar variation 4737933 (VCV004737933.1).
Genomic context (GRCh38, chr1:235,808,486, plus strand): 5'-CCCCCGCCGCCACCCACACACATACAAACCTGGATTTAAGCAGGATAGGCAGAGTTTTTA[C>T]ATAAATCTGAAGCACGTCCTGAGGCAAGCACTGGTTATGATGGCTACATACATGACTTTG-3'
Protein context (NP_000072.2, residues 768-788): CLPQDVLQIY[Val778Ile]KTLPILLKSR

ClinVar aggregate classification (germline): Uncertain significance (1 of 4 stars; one submission).

Conditions:
Chédiak-Higashi syndrome (CHS). Also called: Chediak-Higashi Syndrome. Identifiers: Orphanet 167, MedGen C0007965, MONDO:0008963, OMIM 214500.

Submission:

Labcorp Genetics (formerly Invitae), Labcorp
Classification: Uncertain significance for Chédiak-Higashi syndrome. Last evaluated: 2025-08-22. Review status: criteria provided, single submitter. Criteria: Invitae Variant Classification Sherloc (09022015). Collection method: clinical testing. Allele origin: germline.
Comment: This sequence change replaces valine, which is neutral and non-polar, with isoleucine, which is neutral and non-polar, at codon 778 of the LYST protein (p.Val778Ile). This variant is not present in population databases (gnomAD no frequency). This variant has not been reported in the literature in individuals affected with LYST-related conditions. Invitae Evidence Modeling of protein sequence and biophysical properties (such as structural, functional, and spatial information, amino acid conservation, physicochemical variation, residue mobility, and thermodynamic stability) indicates that this missense variant is not expected to disrupt LYST protein function with a negative predictive value of 80%. In summary, the available evidence is currently insufficient to determine the role of this variant in disease. Therefore, it has been classified as a Variant of Uncertain Significance.